The following is an entry in ClinVar:

ClinVar aggregate classification (germline): Uncertain significance (1 of 4 stars; one submission).

Conditions:
Familial thoracic aortic aneurysm and aortic dissection (TAAD). Also called: Thoracic aortic aneurysms and dissections. Identifiers: Orphanet 91387, MedGen C4707243, MONDO:0019625.

Submission:

Ambry Genetics
Classification: Uncertain significance for Familial thoracic aortic aneurysm and aortic dissection. Last evaluated: 2021-08-12. Review status: criteria provided, single submitter. Criteria: Ambry Variant Classification Scheme 2023. Collection method: clinical testing. Allele origin: germline.
Comment: The p.L113P variant (also known as c.338T>C), located in coding exon 4 of the PLOD1 gene, results from a T to C substitution at nucleotide position 338. The leucine at codon 113 is replaced by proline, an amino acid with similar properties. This amino acid position is conserved. In addition, the in silico prediction for this alteration is inconclusive. Since supporting evidence is limited at this time, the clinical significance of this alteration remains unclear.

NM_000302.4(PLOD1):c.338T>C (p.Leu113Pro)

Gene: PLOD1 (procollagen-lysine,2-oxoglutarate 5-dioxygenase 1; plus strand). Cytogenetic location: 1p36.22.
Variant type: single nucleotide variant.
Coding change: c.338T>C on transcript NM_000302.4 (MANE Select); coding-DNA position 338, T replaced by C.
Protein change: p.Leu113Pro; replaces leucine 113 with proline.
Molecular consequence: missense variant.
Genome position (GRCh38, 1-based): chr1:11,950,392, T>C. VCF-style: chr1-11950392-T-C. GRCh37 (hg19) VCF-style: chr1-12010449-T-C.
Other names: c.479T>C, p.Leu160Pro (NM_001316320.2); short protein forms L113P, L160P.
Identifiers: ClinVar variation 1730894 (VCV001730894.2), dbSNP rs2522807274, ClinGen allele CA338426933.